The following is an entry in ClinVar:

ClinVar aggregate classification (germline): Likely benign (1 of 4 stars; one submission).

Conditions:
Catecholaminergic polymorphic ventricular tachycardia (CVPT). Also called: Catecholamine-induced polymorphic ventricular tachycardia. Identifiers: Orphanet 3286, MedGen C5574922, MONDO:0017990.

Submission:

All of Us Research Program, National Institutes of Health
Classification: Likely benign for Catecholaminergic polymorphic ventricular tachycardia. Last evaluated: 2023-05-04. Review status: criteria provided, single submitter. Criteria: ACMG Guidelines, 2015. Collection method: clinical testing. Allele origin: germline. Inheritance: Autosomal dominant inheritance. Observed: 1 variant allele, 1 heterozygote.
Comment: This study involves interpretation of variants in research participants for the purpose of population health screening. Participant phenotype was not available at the time of variant classification. Additional details can be found in publication PMID: 35346344, PMCID: PMC8962531

NM_001035.3(RYR2):c.2937C>T (p.Ala979=)

Gene: RYR2 (ryanodine receptor 2; plus strand). Cytogenetic location: 1q43.
Variant type: single nucleotide variant.
Coding change: c.2937C>T on transcript NM_001035.3 (MANE Select); coding-DNA position 2937, C replaced by T.
Protein change: p.Ala979=; no amino-acid change (alanine 979 retained).
Molecular consequence: synonymous variant.
Genome position (GRCh38, 1-based): chr1:237,548,461, C>T. VCF-style: chr1-237548461-C-T. GRCh37 (hg19) VCF-style: chr1-237711761-C-T.
Identifiers: ClinVar variation 3070707 (VCV003070707.1), dbSNP rs746756224, ClinGen allele CA423818037.